The following is an entry in ClinVar:

ClinVar aggregate classification (germline): Uncertain significance (1 of 4 stars; one submission).

Submission:

Labcorp Genetics (formerly Invitae), Labcorp
Classification: Uncertain significance. Last evaluated: 2023-09-28. Review status: criteria provided, single submitter. Criteria: Invitae Variant Classification Sherloc (09022015). Collection method: clinical testing. Allele origin: germline.
Comment: This sequence change replaces proline, which is neutral and non-polar, with arginine, which is basic and polar, at codon 139 of the SOX17 protein (p.Pro139Arg). This variant is not present in population databases (gnomAD no frequency). This missense change has been observed in individual(s) with pulmonary hypertension (Invitae). Advanced modeling of protein sequence and biophysical properties (such as structural, functional, and spatial information, amino acid conservation, physicochemical variation, residue mobility, and thermodynamic stability) performed at Invitae indicates that this missense variant is expected to disrupt SOX17 protein function. In summary, the available evidence is currently insufficient to determine the role of this variant in disease. Therefore, it has been classified as a Variant of Uncertain Significance.

NM_022454.4(SOX17):c.416C>G (p.Pro139Arg)

Gene: SOX17 (SRY-box transcription factor 17; plus strand). Cytogenetic location: 8q11.23.
Variant type: single nucleotide variant.
Coding change: c.416C>G on transcript NM_022454.4 (MANE Select); coding-DNA position 416, C replaced by G.
Protein change: p.Pro139Arg; replaces proline 139 with arginine.
Molecular consequence: missense variant.
Genome position (GRCh38, 1-based): chr8:54,459,166, C>G. VCF-style: chr8-54459166-C-G. GRCh37 (hg19) VCF-style: chr8-55371726-C-G.
Other names: short protein forms P139R.
Identifiers: ClinVar variation 2764010 (VCV002764010.3), dbSNP rs2129278089, ClinGen allele CA371024404.
Genomic context (GRCh38, chr8:54,459,166, plus strand): 5'-AGGAGGCAGAGCGGCTGCGCGTGCAGCACATGCAGGACCACCCCAACTACAAGTACCGGC[C>G]GCGGCGGCGCAAGCAGGTGAAGCGGCTGAAGCGGGTGGAGGGCGGCTTCCTGCACGGCCT-3'
Protein context (NP_071899.1, residues 129-149): MQDHPNYKYR[Pro139Arg]RRRKQVKRLK